The following is an entry in ClinVar:

NM_001042492.3(NF1):c.8114-50A>G

Gene: NF1 (neurofibromin 1; plus strand). Cytogenetic location: 17q11.2.
Variant type: single nucleotide variant.
Coding change: c.8114-50A>G on transcript NM_001042492.3 (MANE Select); 50 bases into the intron before coding-DNA position 8114, A replaced by G.
Molecular consequence: intron variant.
Genome position (GRCh38, 1-based): chr17:31,358,919, A>G. VCF-style: chr17-31358919-A-G. GRCh37 (hg19) VCF-style: chr17-29685937-A-G.
Other names: c.8051-50A>G (NM_000267.4).
Identifiers: ClinVar variation 4682435 (VCV004682435.1).

ClinVar aggregate classification (germline): Benign (1 of 4 stars; one submission).

gnomAD v4.1: 125 of 1,495,862 alleles (0.0084%); highest among the groups gnomAD compares: African/African-American, 0.16%; no homozygotes.

Submission:

Athena Diagnostics
Classification: Benign. Last evaluated: 2025-08-21. Review status: criteria provided, single submitter. Criteria: Athena Diagnostics Criteria. Collection method: clinical testing. Allele origin: unknown.
Comment: The frequency of this variant in the general population is higher than would generally be expected for pathogenic variants in this gene. Computational tools yielded predictions that this variant is unlikely to have an effect on normal RNA splicing. This nucleotide position exhibits low evolutionary conservation.